The following is an entry in ClinVar:

NM_002693.3(POLG):c.991_992insG (p.Lys331fs)

Gene: POLG (DNA polymerase gamma, catalytic subunit; minus strand). Cytogenetic location: 15q26.1.
Variant type: Insertion.
Coding change: c.991_992insG on transcript NM_002693.3 (MANE Select); coding-DNA positions 991 to 992, G inserted.
Protein change: p.Lys331fs; shifts the reading frame from lysine 331.
Molecular consequence: frameshift variant.
Genome position: GRCh38 VCF-style: chr15-89328974-T-TC. GRCh37 (hg19) VCF-style: chr15-89872205-T-TC.
Other names: c.991_992insG, p.Lys331fs (NM_001126131.2); short protein forms K331fs.
Identifiers: ClinVar variation 3648962 (VCV003648962.2).
Genomic context (GRCh38, chr15:89,328,974, plus strand): 5'-GCTCCTGCCCACCGGCAGTGTGCTCTCACCGCTGGGCCTCTTCTGGCTTTCCTCTGGGAC[T>TC]TCTGGCCTTGCTTTGTGGGGGGCTGGACCTTGTGTTTGCCCTGCTTGGCTGCTATCCACA-3'

ClinVar aggregate classification (germline): Pathogenic (1 of 4 stars; one submission).

Conditions:
Progressive sclerosing poliodystrophy (MTDPS4A). Also called: ALPERS PROGRESSIVE INFANTILE POLIODYSTROPHY; NEURONAL DEGENERATION OF CHILDHOOD WITH LIVER DISEASE, PROGRESSIVE; Alpers Syndrome; ALPERS DIFFUSE DEGENERATION OF CEREBRAL GRAY MATTER WITH HEPATIC CIRRHOSIS; Alpers-Huttenlocher Syndrome; Mitochondrial DNA depletion syndrome 4A (Alpers type). Identifiers: Orphanet 726, MedGen C0205710, MONDO:0008758, OMIM 203700.

Submission:

Labcorp Genetics (formerly Invitae), Labcorp
Classification: Pathogenic for Progressive sclerosing poliodystrophy. Last evaluated: 2025-07-22. Review status: criteria provided, single submitter. Criteria: Invitae Variant Classification Sherloc (09022015). Collection method: clinical testing. Allele origin: germline.
Comment: This sequence change creates a premature translational stop signal (p.Lys331Argfs*57) in the POLG gene. It is expected to result in an absent or disrupted protein product. Loss-of-function variants in POLG are known to be pathogenic (PMID: 18546365). This variant is not present in population databases (gnomAD no frequency). This variant has not been reported in the literature in individuals affected with POLG-related conditions. ClinVar contains an entry for this variant (Variation ID: 3648962). For these reasons, this variant has been classified as Pathogenic.

Literature cited by the submitters: PubMed 18546365.